The following is an entry in ClinVar:

ClinVar aggregate classification (germline): Uncertain significance (1 of 4 stars; one submission).

gnomAD v4.1: 6 of 1,605,044 alleles (0.00037%); highest among the groups gnomAD compares: African/African-American, 0.0081%; no homozygotes.

Submission:

Labcorp Genetics (formerly Invitae), Labcorp
Classification: Uncertain significance. Last evaluated: 2025-05-11. Review status: criteria provided, single submitter. Criteria: Invitae Variant Classification Sherloc (09022015). Collection method: clinical testing. Allele origin: germline.
Comment: This sequence change replaces lysine, which is basic and polar, with glutamine, which is neutral and polar, at codon 32 of the TRAPPC3 protein (p.Lys32Gln). This variant is present in population databases (rs145641137, gnomAD 0.004%). This variant has not been reported in the literature in individuals affected with TRAPPC3-related conditions. Experimental studies and prediction algorithms are not available or were not evaluated, and the functional significance of this variant is currently unknown. In summary, the available evidence is currently insufficient to determine the role of this variant in disease. Therefore, it has been classified as a Variant of Uncertain Significance.

NM_014408.5(TRAPPC3):c.94A>C (p.Lys32Gln)

Gene: TRAPPC3 (trafficking protein particle complex subunit 3; minus strand). Cytogenetic location: 1p34.3.
Variant type: single nucleotide variant.
Coding change: c.94A>C on transcript NM_014408.5 (MANE Select); coding-DNA position 94, A replaced by C.
Protein change: p.Lys32Gln; replaces lysine 32 with glutamine.
Molecular consequence: missense variant. On other transcripts: 5 prime UTR variant (2), intron variant (1).
Genome position (GRCh38, 1-based): chr1:36,140,115, T>G on the plus strand (A>C on the coding strand, the complement: TRAPPC3 is on the minus strand). VCF-style: chr1-36140115-T-G. GRCh37 (hg19) VCF-style: chr1-36605716-T-G.
Other names: c.94A>C, p.Lys32Gln (NM_001270894.2); c.-45A>C (NM_001270895.2, NM_001270896.2); c.43-2137A>C (NM_001270897.2); short protein forms K32Q.
Identifiers: ClinVar variation 4771562 (VCV004771562.1).
Genomic context (GRCh38, chr1:36,140,115, plus strand): 5'-AGGAGCTCACTCACATTTTGTCCAGCTGTTTATTCACATCTTCATCATTTTCATAGTCCT[T>G]ACATAGCTGGGTGACCAGGGCACCATAGGTCAGGGTGAAGAGCTCAGAGCTCTAAAAGAG-3'
Protein context (NP_055223.1, residues 22-42): TYGALVTQLC[Lys32Gln]DYENDEDVNK